The following is an entry in ClinVar:

NM_000238.4(KCNH2):c.3461G>C (p.Gly1154Ala)

Gene: KCNH2 (potassium voltage-gated channel subfamily H member 2; minus strand). Cytogenetic location: 7q36.1.
Variant type: single nucleotide variant.
Coding change: c.3461G>C on transcript NM_000238.4 (MANE Select); coding-DNA position 3461, G replaced by C.
Protein change: p.Gly1154Ala; replaces glycine 1154 with alanine.
Molecular consequence: missense variant. On other transcripts: non-coding transcript variant (2).
Genome position (GRCh38, 1-based): chr7:150,945,384, C>G on the plus strand (G>C on the coding strand, the complement: KCNH2 is on the minus strand). VCF-style: chr7-150945384-C-G. GRCh37 (hg19) VCF-style: chr7-150642472-C-G.
Other names: c.3173G>C, p.Gly1058Ala (NM_001406753.1); c.2441G>C, p.Gly814Ala (NM_172057.3); short protein forms G1058A, G1154A, G814A.
Identifiers: ClinVar variation 4757900 (VCV004757900.1).

ClinVar aggregate classification (germline): Uncertain significance (1 of 4 stars; one submission).

Conditions:
Cardiac arrhythmia. Also called: Arrhythmia; Cardiac rhythm disease. Identifiers: MedGen C0003811, MONDO:0007263, HP:0011675.

Submission:

Color Diagnostics, LLC DBA Color Health
Classification: Uncertain significance for Cardiac arrhythmia. Last evaluated: 2025-08-30. Review status: criteria provided, single submitter. Criteria: ACMG Guidelines, 2015. Collection method: clinical testing. Allele origin: germline.
Comment: This missense variant replaces glycine with alanine at codon 1154 of the KCNH2 protein. Computational prediction is inconclusive regarding the impact of this variant on protein structure and function. To our knowledge, functional studies have not been reported for this variant. This variant has not been reported in individuals affected with KCNH2-related disorders in the literature. This variant has not been identified in the general population by the Genome Aggregation Database (gnomAD). The available evidence is insufficient to determine the role of this variant in disease conclusively. Therefore, this variant is classified as a Variant of Uncertain Significance.